The following is an entry in ClinVar:

NM_001367624.2(ZNF469):c.10234C>T (p.Arg3412Cys)

Gene: ZNF469 (zinc finger protein 469; plus strand). Cytogenetic location: 16q24.2.
Variant type: single nucleotide variant.
Coding change: c.10234C>T on transcript NM_001367624.2 (MANE Select); coding-DNA position 10234, C replaced by T.
Protein change: p.Arg3412Cys; replaces arginine 3412 with cysteine.
Molecular consequence: missense variant.
Genome position (GRCh38, 1-based): chr16:88,437,704, C>T. VCF-style: chr16-88437704-C-T. GRCh37 (hg19) VCF-style: chr16-88504112-C-T.
Other names: short protein forms R3412C.
Identifiers: ClinVar variation 1915142 (VCV001915142.4), dbSNP rs763756847, ClinGen allele CA8225485.
Genomic context (GRCh38, chr16:88,437,704, plus strand): 5'-GAGCGGCCGGAGCTGCAGCACACGCCGCTGTATGCCTGCGAGCTCTGCGCCACGGTTATG[C>T]GCATCATCAAGAAGTCCTTCGCCTGCAGCTCCTGCAACTACACCTTCGCCAAGAAGGAGC-3'
Protein context (NP_001354553.1, residues 3402-3422): YACELCATVM[Arg3412Cys]IIKKSFACSS

ClinVar aggregate classification (germline): Uncertain significance (1 of 4 stars; one submission).

Allele frequency attached by ClinVar (database versions not stated): gnomAD 0.00003; TOPMed 0.00003.
gnomAD v4.1: 35 of 1,549,736 alleles (0.0023%); highest among the groups gnomAD compares: African/African-American, 0.0096%; no homozygotes.

Submission:

Labcorp Genetics (formerly Invitae), Labcorp
Classification: Uncertain significance. Last evaluated: 2023-10-03. Review status: criteria provided, single submitter. Criteria: Invitae Variant Classification Sherloc (09022015). Collection method: clinical testing. Allele origin: germline.
Comment: This sequence change replaces arginine, which is basic and polar, with cysteine, which is neutral and slightly polar, at codon 3384 of the ZNF469 protein (p.Arg3384Cys). This variant is present in population databases (rs763756847, gnomAD 0.03%). This variant has not been reported in the literature in individuals affected with ZNF469-related conditions. ClinVar contains an entry for this variant (Variation ID: 1915142). An algorithm developed to predict the effect of missense changes on protein structure and function (PolyPhen-2) suggests that this variant¬†is likely to be tolerated. In summary, the available evidence is currently insufficient to determine the role of this variant in disease. Therefore, it has been classified as a Variant of Uncertain Significance.